The following is an entry in ClinVar:

ClinVar aggregate classification (germline): Uncertain significance (1 of 4 stars; one submission).

Conditions:
Familial thoracic aortic aneurysm and aortic dissection (TAAD). Also called: Thoracic aortic aneurysms and dissections. Identifiers: Orphanet 91387, MedGen C4707243, MONDO:0019625.

Submission:

Ambry Genetics
Classification: Uncertain significance for Familial thoracic aortic aneurysm and aortic dissection. Last evaluated: 2023-02-14. Review status: criteria provided, single submitter. Criteria: Ambry Variant Classification Scheme 2023. Collection method: clinical testing. Allele origin: germline.
Comment: The p.F248L variant (also known as c.744C>G), located in coding exon 6 of the SMAD3 gene, results from a C to G substitution at nucleotide position 744. The phenylalanine at codon 248 is replaced by leucine, an amino acid with highly similar properties. This alteration (also noted as c.742C>T) has been reported in a cohort of subjects with SMAD3-related disorders (Aubart M et al. PLoS One, 2014 May;9:e96387). This missense alteration is located in a region that has a low rate of benign missense variation (Lek M et al. Nature. 2016 Aug 18;536(7616):285-91; DECIPHER: Database of Chromosomal Imbalance and Phenotype in Humans using Ensembl Resources. Firth H.V. et al. 2009. Am.J.Hum.Genet. 84, 524-533 (DOI)). This amino acid position is highly conserved in available vertebrate species. In addition, this alteration is predicted to be deleterious by in silico analysis. Since supporting evidence is limited at this time, the clinical significance of this alteration remains unclear.

Literature cited by the submitters: PubMed 24804794.

NM_005902.4(SMAD3):c.744C>G (p.Phe248Leu)

Gene: SMAD3 (SMAD family member 3; plus strand). Cytogenetic location: 15q22.33.
Variant type: single nucleotide variant.
Coding change: c.744C>G on transcript NM_005902.4 (MANE Select); coding-DNA position 744, C replaced by G.
Protein change: p.Phe248Leu; replaces phenylalanine 248 with leucine.
Molecular consequence: missense variant.
Genome position (GRCh38, 1-based): chr15:67,181,326, C>G. VCF-style: chr15-67181326-C-G. GRCh37 (hg19) VCF-style: chr15-67473664-C-G.
Other names: c.429C>G, p.Phe143Leu (NM_001145102.2, NM_001407016.1); c.612C>G, p.Phe204Leu (NM_001145103.2, NM_001407012.1); c.159C>G, p.Phe53Leu (NM_001145104.2, NM_001407017.1); c.744C>G, p.Phe248Leu (NM_001407011.1, NM_001407013.1); c.597C>G, p.Phe199Leu (NM_001407014.1); c.297C>G, p.Phe99Leu (NM_001407015.1); short protein forms F199L, F53L, F143L, F204L, F99L, F248L.
Identifiers: ClinVar variation 2452418 (VCV002452418.2), dbSNP rs376023379, ClinGen allele CA392956171.